The following is an entry in ClinVar:

ClinVar aggregate classification (germline): Uncertain significance (1 of 4 stars; one submission).

Conditions:
Dilated cardiomyopathy 1O (CMD1O). Also called: CARDIOMYOPATHY, DILATED, WITH VENTRICULAR TACHYCARDIA. Identifiers: Orphanet 154, MedGen C1837839, MONDO:0012062, OMIM 608569.

gnomAD v4.1: 1 of 1,613,092 alleles (0.000062%); highest among the groups gnomAD compares: South Asian, 0.0011%; no homozygotes.

Submission:

Labcorp Genetics (formerly Invitae), Labcorp
Classification: Uncertain significance for Dilated cardiomyopathy 1O. Last evaluated: 2025-04-17. Review status: criteria provided, single submitter. Criteria: Invitae Variant Classification Sherloc (09022015). Collection method: clinical testing. Allele origin: germline.
Comment: This sequence change replaces aspartic acid, which is acidic and polar, with glutamic acid, which is acidic and polar, at codon 954 of the ABCC9 protein (p.Asp954Glu). This variant is present in population databases (rs2291550, gnomAD 0.007%). This variant has not been reported in the literature in individuals affected with ABCC9-related conditions. Invitae Evidence Modeling of protein sequence and biophysical properties (such as structural, functional, and spatial information, amino acid conservation, physicochemical variation, residue mobility, and thermodynamic stability) indicates that this missense variant is not expected to disrupt ABCC9 protein function with a negative predictive value of 95%. In summary, the available evidence is currently insufficient to determine the role of this variant in disease. Therefore, it has been classified as a Variant of Uncertain Significance.

NM_020297.4(ABCC9):c.2862C>G (p.Asp954Glu)

Gene: ABCC9 (ATP binding cassette subfamily C member 9; minus strand). Cytogenetic location: 12p12.1.
Variant type: single nucleotide variant.
Coding change: c.2862C>G on transcript NM_020297.4 (MANE Select); coding-DNA position 2862, C replaced by G.
Protein change: p.Asp954Glu; replaces aspartic acid 954 with glutamic acid.
Molecular consequence: missense variant.
Genome position (GRCh38, 1-based): chr12:21,848,154, G>C on the plus strand (C>G on the coding strand, the complement: ABCC9 is on the minus strand). VCF-style: chr12-21848154-G-C. GRCh37 (hg19) VCF-style: chr12-22001088-G-C.
Other names: c.2862C>G, p.Asp954Glu (NM_001377273.1, NM_005691.4); c.1995C>G, p.Asp665Glu (NM_001377274.1); short protein forms D665E, D954E.
Identifiers: ClinVar variation 4745803 (VCV004745803.1).